The following is an entry in ClinVar:

ClinVar aggregate classification (germline): Pathogenic (1 of 4 stars; one submission).

Conditions:
Breast-ovarian cancer, familial, susceptibility to, 2 (BROVCA2). Also called: BRCA2 Hereditary Breast and Ovarian Cancer. Identifiers: Orphanet 145, MedGen C2675520, MONDO:0012933, OMIM 612555. Disease mechanism: loss of function.

Submission:

Myriad Genetics, Inc.
Classification: Pathogenic for Breast-ovarian cancer, familial, susceptibility to, 2. Last evaluated: 2026-06-30. Review status: criteria provided, single submitter. Criteria: Myriad Autosomal Dominant, Autosomal Recessive and X-Linked Classification Criteria (2023). Collection method: clinical testing. Allele origin: unknown.
Comment: This variant is considered pathogenic. This variant creates a termination codon and is predicted to result in premature protein truncation.

NM_000059.4(BRCA2):c.4993G>T (p.Glu1665Ter)

Gene: BRCA2 (BRCA2 DNA repair associated; plus strand). Cytogenetic location: 13q13.1.
Variant type: single nucleotide variant.
Coding change: c.4993G>T on transcript NM_000059.4 (MANE Select); coding-DNA position 4993, G replaced by T.
Protein change: p.Glu1665Ter; replaces glutamic acid 1665 with a stop codon.
Molecular consequence: nonsense. On other transcripts: non-coding transcript variant (1), intron variant (2).
Genome position (GRCh38, 1-based): chr13:32,339,348, G>T. VCF-style: chr13-32339348-G-T. GRCh37 (hg19) VCF-style: chr13-32913485-G-T.
Other names: c.4993G>T, p.Glu1665Ter (NM_001406719.1, NM_001406720.1, NM_001432077.1); c.1910-5210G>T (NM_001406721.1); c.425-5210G>T (NM_001406722.1); short protein forms E1665*.
Identifiers: ClinVar variation 4875765 (VCV004875765.1).